The following is an entry in ClinVar:

NM_014846.4(WASHC5):c.1007G>C (p.Arg336Thr)

Gene: WASHC5 (WASH complex subunit 5; minus strand). Cytogenetic location: 8q24.13.
Variant type: single nucleotide variant.
Coding change: c.1007G>C on transcript NM_014846.4 (MANE Select); coding-DNA position 1007, G replaced by C.
Protein change: p.Arg336Thr; replaces arginine 336 with threonine.
Molecular consequence: missense variant.
Genome position (GRCh38, 1-based): chr8:125,073,296, C>G on the plus strand (G>C on the coding strand, the complement: WASHC5 is on the minus strand). VCF-style: chr8-125073296-C-G. GRCh37 (hg19) VCF-style: chr8-126085538-C-G.
Other names: p.Arg336Thr; c.563G>C, p.Arg188Thr (NM_001330609.2); short protein forms R336T, R188T.
Identifiers: ClinVar variation 218709 (VCV000218709.12), dbSNP rs150430170, ClinGen allele CA248939.

ClinVar aggregate classification (germline): Conflicting classifications of pathogenicity. Review status: criteria provided, conflicting classifications (1 of 4 stars). 5 submissions from 5 submitters: Uncertain significance (2); Benign (1); Likely benign (2). Last evaluated 2025-10-02.

Conditions:
Inborn genetic diseases. Identifiers: MedGen C0950123, MeSH D030342.
Hereditary spastic paraplegia 8 (SPG8). Also called: SPASTIC PARAPLEGIA 8, AUTOSOMAL DOMINANT. Identifiers: Orphanet 100989, MedGen C1863704, MONDO:0011339, OMIM 603563.
Ritscher-Schinzel syndrome. Also called: CRANIOCEREBELLOCARDIAC DYSPLASIA. Identifiers: Orphanet 7, MedGen C0796137, MONDO:0019078.

Allele frequency attached by ClinVar (database versions not stated): gnomAD exomes 0.00009 and 0.00014; TOPMed 0.00010; ESP Exome Variant Server 0.00023; ExAC 0.00012; gnomAD 0.00011.
gnomAD v4.1: 164 of 1,614,014 alleles (0.01%); highest among the groups gnomAD compares: Middle Eastern, 0.25%; no homozygotes.

Submissions (5):

Labcorp Genetics (formerly Invitae), Labcorp
Classification: Likely benign for Ritscher-Schinzel syndrome; Hereditary spastic paraplegia 8. Last evaluated: 2025-10-02. Review status: criteria provided, single submitter. Criteria: Invitae Variant Classification Sherloc (09022015). Collection method: clinical testing. Allele origin: germline.

Mayo Clinic Laboratories, Mayo Clinic
Classification: Uncertain significance. Last evaluated: 2024-10-16. Review status: criteria provided, single submitter. Criteria: ACMG Guidelines, 2015. Collection method: clinical testing. Allele origin: germline. Observed: 1 variant allele.
Comment: BP4

Athena Diagnostics
Classification: Benign. Last evaluated: 2024-04-19. Review status: criteria provided, single submitter. Criteria: Athena Diagnostics Criteria. Collection method: clinical testing. Allele origin: unknown.

Ambry Genetics
Classification: Likely benign for Inborn genetic diseases. Last evaluated: 2022-05-20. Review status: criteria provided, single submitter. Criteria: Ambry Variant Classification Scheme 2023. Collection method: clinical testing. Allele origin: germline.

Genomic Diagnostic Laboratory, Division of Genomic Diagnostics, Children's Hospital of Philadelphia
Classification: Uncertain significance. Last evaluated: 2015-05-12. Review status: criteria provided, single submitter. Criteria: DGD Variant Analysis Guidelines. Collection method: clinical testing. Allele origin: unknown.